The following is an entry in ClinVar:

NM_003489.4(NRIP1):c.1079C>T (p.Ala360Val)

Gene: NRIP1 (nuclear receptor interacting protein 1; minus strand). Cytogenetic location: 21q11.2.
Variant type: single nucleotide variant.
Coding change: c.1079C>T on transcript NM_003489.4 (MANE Select); coding-DNA position 1079, C replaced by T.
Protein change: p.Ala360Val; replaces alanine 360 with valine.
Molecular consequence: missense variant.
Genome position (GRCh38, 1-based): chr21:14,967,114, G>A on the plus strand (C>T on the coding strand, the complement: NRIP1 is on the minus strand). VCF-style: chr21-14967114-G-A. GRCh37 (hg19) VCF-style: chr21-16339435-G-A.
Other names: short protein forms A360V.
Identifiers: ClinVar variation 2630356 (VCV002630356.1), dbSNP rs2086772918, ClinGen allele CA409830882.

ClinVar aggregate classification (germline): Uncertain significance (1 of 4 stars; one submission).

Conditions:
NRIP1-related disorder. Also called: NRIP1-related condition.

Submission:

PreventionGenetics, part of Exact Sciences
Classification: Uncertain significance for NRIP1-related condition. Last evaluated: 2023-08-18. Review status: criteria provided, single submitter. Criteria: ACMG Guidelines, 2015. Collection method: clinical testing. Allele origin: germline.
Comment: The NRIP1 c.1079C>T variant is predicted to result in the amino acid substitution p.Ala360Val. To our knowledge, this variant has not been reported in the literature or in a large population database, indicating this variant is rare. At this time, the clinical significance of this variant is uncertain due to the absence of conclusive functional and genetic evidence.